The following is an entry in ClinVar:

NM_206933.4(USH2A):c.5018T>C (p.Leu1673Pro)

Genes: USH2A (usherin; minus strand), USH2A-AS2 (USH2A antisense RNA 2; plus strand). Cytogenetic location: 1q41.
Variant type: single nucleotide variant.
Coding change: c.5018T>C on transcript NM_206933.4 (MANE Select); coding-DNA position 5018, T replaced by C.
Protein change: p.Leu1673Pro; replaces leucine 1673 with proline.
Molecular consequence: missense variant.
Genome position (GRCh38, 1-based): chr1:216,084,847, A>G on the plus strand (T>C on the coding strand, the complement: USH2A is on the minus strand). VCF-style: chr1-216084847-A-G. GRCh37 (hg19) VCF-style: chr1-216258189-A-G.
Other names: short protein forms L1673P.
Identifiers: ClinVar variation 558293 (VCV000558293.14), dbSNP rs1162305984, ClinGen allele CA344859302.
Genomic context (GRCh38, chr1:216,084,847, plus strand): 5'-CAATCCAGAGGTTCCCAAATAGCTGACGGATTGTAATTCTTCATAAAATGTACATCCTTG[A>G]GACAGCCCACAAAACCTTTTTGGATTATCTCTGCAGGAGTTTATAGATATCAAGAAATAT-3'
Protein context (NP_996816.3, residues 1663-1683): EIIQKGFVGC[Leu1673Pro]KDVHFMKNYN

ClinVar aggregate classification (germline): Likely pathogenic. Review status: criteria provided, multiple submitters, no conflicts (2 of 4 stars). 7 submissions from 6 submitters: Likely pathogenic (4). 3 of the submissions do not count toward it. Last evaluated 2025-11-01.

Conditions:
Retinitis pigmentosa 39 (RP39). Identifiers: Orphanet 791, MedGen C3151138, MONDO:0013436, OMIM 613809.
Usher syndrome type 2A. Also called: RETINAL DISEASE IN USHER SYNDROME TYPE IIA, MODIFIER OF; USHER SYNDROME, TYPE IIA. Identifiers: Orphanet 231178, Orphanet 886, MedGen C1848634, MONDO:0010169, OMIM 276901.

Allele frequency attached by ClinVar (database versions not stated): gnomAD 0.00001; gnomAD exomes 0.00001.
gnomAD v4.1: 13 of 1,613,368 alleles (0.00081%); highest among the groups gnomAD compares: Non-Finnish European, 0.0011%; no homozygotes.

Submissions (7):

Labcorp Genetics (formerly Invitae), Labcorp
Classification: Likely pathogenic. Last evaluated: 2025-11-01. Review status: criteria provided, single submitter. Criteria: Invitae Variant Classification Sherloc (09022015). Collection method: clinical testing. Allele origin: germline.
Comment: This sequence change replaces leucine, which is neutral and non-polar, with proline, which is neutral and non-polar, at codon 1673 of the USH2A protein (p.Leu1673Pro). This variant is present in population databases (no rsID available, gnomAD 0.007%). This missense change has been observed in individual(s) with USH2A-related conditions (PMID: 25425308, 27318125, 35266249). ClinVar contains an entry for this variant (Variation ID: 558293). Invitae Evidence Modeling of protein sequence and biophysical properties (such as structural, functional, and spatial information, amino acid conservation, physicochemical variation, residue mobility, and thermodynamic stability) indicates that this missense variant is expected to disrupt USH2A protein function with a positive predictive value of 95%. In summary, the currently available evidence indicates that the variant is pathogenic, but additional data are needed to prove that conclusively. Therefore, this variant has been classified as Likely Pathogenic.

Fulgent Genetics
Classification: Likely pathogenic for Usher syndrome type 2A; Retinitis pigmentosa 39. Last evaluated: 2024-02-01. Review status: criteria provided, single submitter. Criteria: ACMG Guidelines, 2015. Collection method: clinical testing. Allele origin: germline.

Genome-Nilou Lab
Classification: Likely pathogenic for Retinitis pigmentosa 39. Last evaluated: 2023-11-04. Review status: criteria provided, single submitter. Criteria: ACMG Guidelines, 2015. Collection method: clinical testing. Allele origin: germline. Affected: no.

Genome-Nilou Lab
Classification: Likely pathogenic for Usher syndrome type 2A. Last evaluated: 2023-11-04. Review status: criteria provided, single submitter. Criteria: ACMG Guidelines, 2015. Collection method: clinical testing. Allele origin: germline. Affected: no.

Counsyl
Classification: Likely pathogenic for Usher syndrome type 2A; Retinitis pigmentosa 39. Last evaluated: 2018-05-11. Review status: no assertion criteria provided. Collection method: clinical testing. Allele origin: unknown. Not counted in ClinVar's aggregate classification.

Clinical Genetics DNA and cytogenetics Diagnostics Lab, Erasmus MC, Erasmus Medical Center
Classification: Uncertain significance. Review status: no assertion criteria provided. Collection method: clinical testing. Allele origin: germline. Affected: yes. Study: VKGL Data-share Consensus. Not counted in ClinVar's aggregate classification.

Clinical Genetics, Academic Medical Center
Classification: Uncertain significance. Review status: no assertion criteria provided. Collection method: clinical testing. Allele origin: germline. Affected: yes. Study: VKGL Data-share Consensus. Not counted in ClinVar's aggregate classification.

Literature cited by the submitters: PubMed 25425308 (cited by Labcorp Genetics (formerly Invitae), Labcorp and Counsyl); PubMed 27318125 (cited by Labcorp Genetics (formerly Invitae), Labcorp and Counsyl); PubMed 35266249 (cited by Labcorp Genetics (formerly Invitae), Labcorp); PubMed 28000701 (cited by Counsyl).